The following is an entry in ClinVar:

NM_001611.5(ACP5):c.383A>G (p.Lys128Arg)

Gene: ACP5 (acid phosphatase 5, tartrate resistant; minus strand). Cytogenetic location: 19p13.2.
Variant type: single nucleotide variant.
Coding change: c.383A>G on transcript NM_001611.5 (MANE Select); coding-DNA position 383, A replaced by G.
Protein change: p.Lys128Arg; replaces lysine 128 with arginine.
Molecular consequence: missense variant.
Genome position (GRCh38, 1-based): chr19:11,576,722, T>C on the plus strand (A>G on the coding strand, the complement: ACP5 is on the minus strand). VCF-style: chr19-11576722-T-C. GRCh37 (hg19) VCF-style: chr19-11687537-T-C.
Other names: c.383A>G, p.Lys128Arg (NM_001111034.3, NM_001111035.3, NM_001111036.3 and 1 more transcripts); short protein forms K128R.
Identifiers: ClinVar variation 1358104 (VCV001358104.8), dbSNP rs750563102, ClinGen allele CA9215440.

ClinVar aggregate classification (germline): Uncertain significance (1 of 4 stars; one submission).

Conditions:
Spondyloenchondrodysplasia with immune dysregulation (SPENCDI). Also called: SPONDYLOENCHONDRODYSPLASIA WITH OR WITHOUT IMMUNE DYSREGULATION; ROIFMAN IMMUNOSKELETAL SYNDROME; COMBINED IMMUNODEFICIENCY WITH AUTOIMMUNITY AND SPONDYLOMETAPHYSEAL DYSPLASIA. Identifiers: Orphanet 1855, MedGen C1842763, MONDO:0011939, OMIM 607944.

Allele frequency attached by ClinVar (database versions not stated): gnomAD exomes below 0.00001 and 0.00001; ExAC 0.00001; gnomAD 0.00001; TOPMed 0.00001.
gnomAD v4.1: 7 of 1,613,888 alleles (0.00043%); highest among the groups gnomAD compares: Middle Eastern, 0.016%; no homozygotes.

Submission:

Labcorp Genetics (formerly Invitae), Labcorp
Classification: Uncertain significance for Spondyloenchondrodysplasia with immune dysregulation. Last evaluated: 2021-07-16. Review status: criteria provided, single submitter. Criteria: Invitae Variant Classification Sherloc (09022015). Collection method: clinical testing. Allele origin: germline.
Comment: In summary, the available evidence is currently insufficient to determine the role of this variant in disease. Therefore, it has been classified as a Variant of Uncertain Significance. Algorithms developed to predict the effect of missense changes on protein structure and function are either unavailable or do not agree on the potential impact of this missense change (SIFT: "Not Available"; PolyPhen-2: "Benign"; Align-GVGD: "Not Available"). This variant has not been reported in the literature in individuals affected with ACP5-related conditions. This variant is present in population databases (rs750563102, ExAC 0.001%). This sequence change replaces lysine with arginine at codon 128 of the ACP5 protein (p.Lys128Arg). The lysine residue is highly conserved and there is a small physicochemical difference between lysine and arginine.